The following is an entry in ClinVar:

ClinVar aggregate classification (germline): Uncertain significance (1 of 4 stars; one submission).

Submission:

Labcorp Genetics (formerly Invitae), Labcorp
Classification: Uncertain significance. Last evaluated: 2022-02-09. Review status: criteria provided, single submitter. Criteria: Invitae Variant Classification Sherloc (09022015). Collection method: clinical testing. Allele origin: germline.
Comment: This variant is not present in population databases (gnomAD no frequency). This sequence change replaces phenylalanine, which is neutral and non-polar, with leucine, which is neutral and non-polar, at codon 1089 of the RIMS1 protein (p.Phe1089Leu). This variant has not been reported in the literature in individuals affected with RIMS1-related conditions. Algorithms developed to predict the effect of missense changes on protein structure and function output the following: SIFT: "Tolerated"; PolyPhen-2: "Benign"; Align-GVGD: "Class C0". The leucine amino acid residue is found in multiple mammalian species, which suggests that this missense change does not adversely affect protein function. In summary, the available evidence is currently insufficient to determine the role of this variant in disease. Therefore, it has been classified as a Variant of Uncertain Significance.

NM_014989.7(RIMS1):c.3267T>G (p.Phe1089Leu)

Gene: RIMS1 (regulating synaptic membrane exocytosis 1; plus strand). Cytogenetic location: 6q13.
Variant type: single nucleotide variant.
Coding change: c.3267T>G on transcript NM_014989.7 (MANE Select); coding-DNA position 3267, T replaced by G.
Protein change: p.Phe1089Leu; replaces phenylalanine 1089 with leucine.
Molecular consequence: missense variant. On other transcripts: intron variant (62).
Genome position (GRCh38, 1-based): chr6:72,265,462, T>G. VCF-style: chr6-72265462-T-G. GRCh37 (hg19) VCF-style: chr6-72975165-T-G.
Other names: c.1686T>G, p.Phe562Leu (NM_001350436.2); c.1470-498T>G (NM_001350428.2, NM_001350459.2, NM_001350424.2 and 1 more transcripts); c.1467-498T>G (NM_001350437.2, NM_001350430.2, NM_001350421.2 and 1 more transcripts); c.1616+410T>G (NM_001350458.2); c.1539-498T>G (NM_001350433.2, NM_001350446.2, NM_001350442.2 and 8 more transcripts); c.1538+4695T>G (NM_001350431.2); c.1476-498T>G (NM_001350457.2); c.1475+6351T>G (NM_001350460.2, NM_001350426.2, NM_001350429.2 and 1 more transcripts); and 14 more; short protein forms F1089L, F562L.
Identifiers: ClinVar variation 1466962 (VCV001466962.6), dbSNP rs2154174019, ClinGen allele CA364685903.